The following is an entry in ClinVar:

NM_001031689.3(PLAA):c.2315_2318del (p.Ile772fs)

Gene: PLAA (phospholipase A2 activating protein; minus strand). Cytogenetic location: 9p21.2.
Variant type: Deletion.
Coding change: c.2315_2318del on transcript NM_001031689.3 (MANE Select); coding-DNA positions 2315 to 2318, 4 bases deleted (TAAA; older notation c.2315_2318delTAAA).
Protein change: p.Ile772fs; shifts the reading frame from isoleucine 772.
Molecular consequence: frameshift variant.
Genome position (GRCh38, 1-based): chr9:26,905,581-26,905,584, TTTA deleted on the plus strand (TAAA on the coding strand, the reverse complement: PLAA is on the minus strand); deleting any 4 consecutive bases within chr9:26,905,581-26,905,587 gives the same sequence; the c. name uses the placement nearest the transcript's 3' end. VCF-style (leftmost placement, unchanged base first): chr9-26905580-TTTTA-T. GRCh37 (hg19) VCF-style: chr9-26905578-TTTTA-T.
Other names: c.2246_2249del, p.Ile749fs (NM_001321546.2); short protein forms I749fs, I772fs.
Identifiers: ClinVar variation 1418486 (VCV001418486.6), dbSNP rs2131360652, ClinGen allele CA2573143676.
Genomic context (GRCh38, chr9:26,905,580, plus strand): 5'-ATTTAGGATAAATCTACAGCATTCACTTACTTTAGCTGGTTCTGATACTGAGGAATACTT[TTTTA>T]TTTGAGAATCAACACCTAAAGACTTGGCTAATTGTACAGCATTTGAATCATCACTGATAA-3'

ClinVar aggregate classification (germline): Uncertain significance (1 of 4 stars; one submission).

Submission:

Labcorp Genetics (formerly Invitae), Labcorp
Classification: Uncertain significance. Last evaluated: 2021-07-15. Review status: criteria provided, single submitter. Criteria: Invitae Variant Classification Sherloc (09022015). Collection method: clinical testing. Allele origin: germline.
Comment: This variant is not present in population databases (ExAC no frequency). In summary, the available evidence is currently insufficient to determine the role of this variant in disease. Therefore, it has been classified as a Variant of Uncertain Significance. Experimental studies and prediction algorithms are not available or were not evaluated, and the functional significance of this variant is currently unknown. This variant has not been reported in the literature in individuals with PLAA-related conditions. This sequence change creates a premature translational stop signal (p.Ile772Lysfs*12) in the PLAA gene. While this is not anticipated to result in nonsense mediated decay, it is expected to disrupt the last 24 amino acid(s) of the PLAA protein.